The following is an entry in ClinVar:

ClinVar aggregate classification (germline): Likely pathogenic. Review status: criteria provided, multiple submitters, no conflicts (2 of 4 stars). 2 submissions from 2 submitters: Likely pathogenic (2). Last evaluated 2026-05-08.

Conditions:
Bardet-Biedl syndrome 2 (BBS2). Identifiers: Orphanet 110, MedGen C2936863, MONDO:0014432, OMIM 615981.
Retinitis pigmentosa 74 (RP74). Identifiers: Orphanet 791, MedGen C4225281, MONDO:0014692, OMIM 616562.
BBS2-related disorder. Also called: BBS2-related disorders; BBS2-related condition. Identifiers: MedGen CN239228.

Submissions (2):

PreventionGenetics, part of Exact Sciences
Classification: Likely pathogenic for BBS2-related condition. Last evaluated: 2026-05-08. Review status: criteria provided, single submitter. Criteria: ACMG Guidelines, 2015. Collection method: clinical testing. Allele origin: germline.
Comment: The BBS2 c.1574dupA variant is predicted to result in a frameshift and premature protein termination (p.His525Glnfs*27). To our knowledge, this variant has not been reported in the literature. This variant has not been reported in a large population database (gnomAD), indicating this variant is rare. Frameshift variants in BBS2 are expected to be pathogenic. This variant is interpreted as likely pathogenic.

Fulgent Genetics
Classification: Likely pathogenic for Bardet-Biedl syndrome 2; Retinitis pigmentosa 74. Last evaluated: 2024-04-14. Review status: criteria provided, single submitter. Criteria: ACMG Guidelines, 2015. Collection method: clinical testing. Allele origin: germline.

NM_031885.5(BBS2):c.1574dup (p.His525fs)

Gene: BBS2 (Bardet-Biedl syndrome 2; minus strand). Cytogenetic location: 16q13.
Variant type: Duplication.
Coding change: c.1574dup on transcript NM_031885.5 (MANE Select); coding-DNA position 1574, one base duplicated (A; older notation c.1574dupA).
Protein change: p.His525fs; shifts the reading frame from histidine 525.
Molecular consequence: frameshift variant. On other transcripts: non-coding transcript variant (5).
Genome position (GRCh38, 1-based): chr16:56,498,522, T duplicated on the plus strand (A on the coding strand, the reverse complement: BBS2 is on the minus strand). VCF-style (leftmost placement, unchanged base first): chr16-56498521-G-GT. GRCh37 (hg19) VCF-style: chr16-56532433-G-GT.
Other names: c.1574dup, p.His525fs (NM_001377456.1); c.1574dupA (NM_031885.3); short protein forms H525fs.
Identifiers: ClinVar variation 3580901 (VCV003580901.2).